The following is an entry in ClinVar:

NM_007212.4(RNF2):c.24C>T (p.Asn8=)

Gene: RNF2 (ring finger protein 2; plus strand). Cytogenetic location: 1q25.3.
Variant type: single nucleotide variant.
Coding change: c.24C>T on transcript NM_007212.4 (MANE Select); coding-DNA position 24, C replaced by T.
Protein change: p.Asn8=; no amino-acid change (asparagine 8 retained).
Molecular consequence: synonymous variant.
Genome position (GRCh38, 1-based): chr1:185,087,577, C>T. VCF-style: chr1-185087577-C-T. GRCh37 (hg19) VCF-style: chr1-185056709-C-T.
Identifiers: ClinVar variation 2639639 (VCV002639639.24), dbSNP rs201683390, ClinGen allele CA1288754.
Genomic context (GRCh38, chr1:185,087,577, plus strand): 5'-TACTAAAATTGTTTTTCTCTCTTCTTTATTTCCAGCAATGTCTCAGGCTGTGCAGACAAA[C>T]GGAACTCAACCATTAAGCAAAACATGGGAACTCAGTTTATATGAGTTACAACGAACACCT-3'
Protein context (NP_009143.1, residues 1-18): MSQAVQT[Asn8=]GTQPLSKTWE

ClinVar aggregate classification (germline): Likely benign (1 of 4 stars; one submission).

Allele frequency attached by ClinVar (database versions not stated): ESP Exome Variant Server 0.00015; ExAC 0.00016; gnomAD 0.00018; TOPMed 0.00018; gnomAD exomes 0.00019.
gnomAD v4.1: 298 of 1,614,036 alleles (0.018%); highest among the groups gnomAD compares: Admixed American, 0.027%; no homozygotes.

Submission:

CeGaT Center for Human Genetics Tuebingen
Classification: Likely benign. Last evaluated: 2022-08-01. Review status: criteria provided, single submitter. Criteria: CeGaT Center For Human Genetics Tuebingen Variant Classification Criteria Version 2. Collection method: clinical testing. Allele origin: germline. Affected: yes. Observed: 2 variant alleles.
Comment: RNF2: BP4, BP7